The following is an entry in ClinVar:

NM_000492.4(CFTR):c.2139T>A (p.Ile713=)

Gene: CFTR (CF transmembrane conductance regulator; plus strand). Cytogenetic location: 7q31.2.
Variant type: single nucleotide variant.
Coding change: c.2139T>A on transcript NM_000492.4 (MANE Select); coding-DNA position 2139, T replaced by A.
Protein change: p.Ile713=; no amino-acid change (isoleucine 713 retained).
Molecular consequence: synonymous variant.
Genome position (GRCh38, 1-based): chr7:117,592,306, T>A. VCF-style: chr7-117592306-T-A. GRCh37 (hg19) VCF-style: chr7-117232360-T-A.
Identifiers: ClinVar variation 2983218 (VCV002983218.4), dbSNP rs763930691, ClinGen allele CA4451145.

ClinVar aggregate classification (germline): Conflicting classifications of pathogenicity. Review status: criteria provided, conflicting classifications (1 of 4 stars). 2 submissions from 2 submitters: Uncertain significance (1); Likely benign (1). Last evaluated 2026-01-25.

Conditions:
Cystic fibrosis (CF). Also called: MUCOVISCIDOSIS. Identifiers: Orphanet 586, MedGen C0010674, MONDO:0009061, OMIM 219700. Disease mechanism: loss of function.

Allele frequency attached by ClinVar (database versions not stated): ExAC 0.00001; gnomAD 0.00001; gnomAD exomes 0.00001.
gnomAD v4.1: 5 of 1,614,062 alleles (0.00031%); highest among the groups gnomAD compares: East Asian, 0.011%; no homozygotes.

Submissions (2):

Labcorp Genetics (formerly Invitae), Labcorp
Classification: Likely benign for Cystic fibrosis. Last evaluated: 2026-01-25. Review status: criteria provided, single submitter. Criteria: Invitae Variant Classification Sherloc (09022015). Collection method: clinical testing. Allele origin: germline.

Ambry Genetics
Classification: Uncertain significance for Cystic fibrosis. Last evaluated: 2025-02-19. Review status: criteria provided, single submitter. Criteria: Ambry Variant Classification Scheme 2023. Collection method: clinical testing. Allele origin: germline.
Comment: The c.2139T>A variant (also known as p.I713I), located in coding exon 14 of the CFTR gene, results from a T to A substitution at nucleotide position 2139. This nucleotide substitution does not change the amino acid at codon 713. This nucleotide position is not well conserved in available vertebrate species. In silico splice site analysis predicts that this alteration may result in the creation or strengthening of a novel splice acceptor site. Based on the available evidence, the clinical significance of this variant remains unclear.